The following is an entry in ClinVar:

ClinVar aggregate classification (germline): Conflicting classifications of pathogenicity. Review status: criteria provided, conflicting classifications (1 of 4 stars). 3 submissions from 3 submitters: Uncertain significance (1); Likely benign (2). Last evaluated 2024-03-07.

Conditions:
Bethlem myopathy 1A. Also called: MYOPATHY, BENIGN CONGENITAL, WITH CONTRACTURES; Bethlem myopathy 1; Bethlem Muscular Dystrophy. Identifiers: Orphanet 610, MedGen CN029274, MONDO:0024530, OMIM 158810.
Inborn genetic diseases. Identifiers: MedGen C0950123, MeSH D030342.

Allele frequency attached by ClinVar (database versions not stated): ExAC 0.00001; gnomAD 0.00001; gnomAD exomes 0.00001.
gnomAD v4.1: 19 of 1,613,330 alleles (0.0012%); highest among the groups gnomAD compares: South Asian, 0.013%; no homozygotes.

Submissions (3):

Ambry Genetics
Classification: Likely benign for Inborn genetic diseases. Last evaluated: 2024-03-07. Review status: criteria provided, single submitter. Criteria: Ambry Variant Classification Scheme 2023. Collection method: clinical testing. Allele origin: germline.

Labcorp Genetics (formerly Invitae), Labcorp
Classification: Uncertain significance for Bethlem myopathy 1A. Last evaluated: 2023-02-14. Review status: criteria provided, single submitter. Criteria: Invitae Variant Classification Sherloc (09022015). Collection method: clinical testing. Allele origin: germline.
Comment: In summary, the available evidence is currently insufficient to determine the role of this variant in disease. Therefore, it has been classified as a Variant of Uncertain Significance. Advanced modeling of protein sequence and biophysical properties (such as structural, functional, and spatial information, amino acid conservation, physicochemical variation, residue mobility, and thermodynamic stability) performed at Invitae indicates that this missense variant is not expected to disrupt COL6A3 protein function. This variant has not been reported in the literature in individuals affected with COL6A3-related conditions. This variant is present in population databases (rs765987305, gnomAD 0.007%). This sequence change replaces valine, which is neutral and non-polar, with methionine, which is neutral and non-polar, at codon 2675 of the COL6A3 protein (p.Val2675Met).

Blueprint Genetics
Classification: Likely benign. Last evaluated: 2023-01-13. Review status: criteria provided, single submitter. Criteria: ACMG Guidelines, 2015. Collection method: clinical testing. Allele origin: germline.

NM_004369.4(COL6A3):c.8023G>A (p.Val2675Met)

Gene: COL6A3 (collagen type VI alpha 3 chain; minus strand). Cytogenetic location: 2q37.3.
Variant type: single nucleotide variant.
Coding change: c.8023G>A on transcript NM_004369.4 (MANE Select); coding-DNA position 8023, G replaced by A.
Protein change: p.Val2675Met; replaces valine 2675 with methionine.
Molecular consequence: missense variant.
Genome position (GRCh38, 1-based): chr2:237,340,893, C>T on the plus strand (G>A on the coding strand, the complement: COL6A3 is on the minus strand). VCF-style: chr2-237340893-C-T. GRCh37 (hg19) VCF-style: chr2-238249536-C-T.
Other names: c.6202G>A, p.Val2068Met (NM_057166.5); c.7405G>A, p.Val2469Met (NM_057167.4); short protein forms V2675M, V2068M, V2469M.
Identifiers: ClinVar variation 2900903 (VCV002900903.5), dbSNP rs765987305, ClinGen allele CA2187640.